The following is an entry in ClinVar:

NM_023067.4(FOXL2):c.907_926dup (p.His312fs)

Gene: FOXL2 (forkhead box L2; minus strand). Cytogenetic location: 3q22.3.
Variant type: Duplication.
Coding change: c.907_926dup on transcript NM_023067.4 (MANE Select); coding-DNA positions 907 to 926, 20 bases duplicated (GCCGCACCGCCGCCTGCCCC).
Protein change: p.His312fs; shifts the reading frame from histidine 312.
Molecular consequence: frameshift variant.
Genome position (GRCh38, 1-based): chr3:138,945,797-138,945,816, GGGGCAGGCGGCGGTGCGGC duplicated on the plus strand (GCCGCACCGCCGCCTGCCCC on the coding strand, the reverse complement: FOXL2 is on the minus strand); duplicating any 20 consecutive bases within chr3:138,945,797-138,945,818 gives the same sequence; the c. name uses the placement nearest the transcript's 3' end. VCF-style (leftmost placement, unchanged base first): chr3-138945796-T-TGGGGCAGGCGGCGGTGCGGC. GRCh37 (hg19) VCF-style: chr3-138664638-T-TGGGGCAGGCGGCGGTGCGGC.
Other names: short protein forms H312fs.
Identifiers: ClinVar variation 369935 (VCV000369935.1), dbSNP rs1057516182, ClinGen allele CA10654859.
Genomic context (GRCh38, chr3:138,945,796, plus strand): 5'-GGTGGCTGGGCTGGCAGGGCTGAGCTGGCCCGGCGGCGGCGCGGCGGCCCCGTGGTGCGG[T>TGGGGCAGGCGGCGGTGCGGC]GGGGCAGGCGGCGGTGCGGCGGCCGCGTGCAGATGGTGTGCGTGCGGATGCGGGTGGGGG-3'

ClinVar aggregate classification (germline): Pathogenic (1 of 4 stars; one submission).

Conditions:
Blepharophimosis, ptosis, and epicanthus inversus syndrome. Identifiers: Orphanet 126, MedGen C0220663, MONDO:0007201, OMIM 110100.

Submission:

Genomic Diagnostic Laboratory, Division of Genomic Diagnostics, Children's Hospital of Philadelphia
Classification: Pathogenic for Blepharophimosis, ptosis, and epicanthus inversus syndrome. Last evaluated: 2016-11-03. Review status: criteria provided, single submitter. Criteria: DGD Variant Analysis Guidelines. Collection method: clinical testing. Allele origin: germline. Affected: yes. Observed: 1 variant allele.
Comment: Clinical Testing